The following is an entry in ClinVar:

NM_198999.3(SLC26A5):c.1311+3G>T

Gene: SLC26A5 (solute carrier family 26 member 5; minus strand). Cytogenetic location: 7q22.1.
Variant type: single nucleotide variant.
Coding change: c.1311+3G>T on transcript NM_198999.3 (MANE Select); 3 bases into the intron after coding-DNA position 1311, G replaced by T.
Molecular consequence: intron variant.
Genome position (GRCh38, 1-based): chr7:103,390,426, C>A on the plus strand (G>T on the coding strand, the complement: SLC26A5 is on the minus strand). VCF-style: chr7-103390426-C-A. GRCh37 (hg19) VCF-style: chr7-103030873-C-A.
Other names: c.971+7506G>T (NM_206885.3); c.1311+3G>T (NM_001321787.2, NM_206884.3, NM_206883.3 and 1 more transcripts).
Identifiers: ClinVar variation 48336 (VCV000048336.5), dbSNP rs397517962, ClinGen allele CA143204.
Genomic context (GRCh38, chr7:103,390,426, plus strand): 5'-CAAATAAAATAGCAAAATCTCTACACATGAAAAAAACTTCACCCAAGTCCACATTACACA[C>A]ACCTGGGGCAATGATTCAAAGAGGAATCCAGTTGCTAATATGACCAGCAGAATCATTAAT-3'

ClinVar aggregate classification (germline): Uncertain significance (1 of 4 stars; one submission).

Submission:

Laboratory for Molecular Medicine, Mass General Brigham Personalized Medicine
Classification: Uncertain significance. Last evaluated: 2013-02-14. Review status: criteria provided, single submitter. Criteria: LMM Criteria. Collection method: clinical testing. Allele origin: germline. Observed: 1 variant allele.
Comment: The 1311+3G>T variant in SLC26A5 has not been reported in the literature nor pre viously identified by our laboratory. This variant is located in the 5' splice r egion but occurs outside of the invariant splice site positions (+1/2). Computat ional tools do not suggest an impact to splicing, however, this information is n ot predictive enough to rule out pathogenicity. Additional information is needed to fully assess the clinical significance of the 1311+3G>T variant.